The following is an entry in ClinVar:

NM_001130009.3(GEN1):c.1103A>G (p.Asn368Ser)

Gene: GEN1 (GEN1 structure-specific endonuclease; plus strand). Cytogenetic location: 2p24.2.
Variant type: single nucleotide variant.
Coding change: c.1103A>G on transcript NM_001130009.3 (MANE Select); coding-DNA position 1103, A replaced by G.
Protein change: p.Asn368Ser; replaces asparagine 368 with serine.
Molecular consequence: missense variant.
Genome position (GRCh38, 1-based): chr2:17,774,302, A>G. VCF-style: chr2-17774302-A-G. GRCh37 (hg19) VCF-style: chr2-17955569-A-G.
Other names: c.1103A>G, p.Asn368Ser (NM_182625.5); short protein forms N368S.
Identifiers: ClinVar variation 1014674 (VCV001014674.8), dbSNP rs375343371, ClinGen allele CA1540669.

ClinVar aggregate classification (germline): Uncertain significance (1 of 4 stars; one submission).

Allele frequency attached by ClinVar (database versions not stated): gnomAD 0.00001; gnomAD exomes 0.00001; TOPMed 0.00002; ESP Exome Variant Server 0.00008.
gnomAD v4.1: 16 of 1,586,704 alleles (0.001%); highest among the groups gnomAD compares: African/African-American, 0.0054%; no homozygotes.

Submission:

Labcorp Genetics (formerly Invitae), Labcorp
Classification: Uncertain significance. Last evaluated: 2024-04-15. Review status: criteria provided, single submitter. Criteria: Invitae Variant Classification Sherloc (09022015). Collection method: clinical testing. Allele origin: germline.
Comment: This sequence change replaces asparagine, which is neutral and polar, with serine, which is neutral and polar, at codon 368 of the GEN1 protein (p.Asn368Ser). This variant is present in population databases (rs375343371, gnomAD 0.007%). This variant has not been reported in the literature in individuals affected with GEN1-related conditions. ClinVar contains an entry for this variant (Variation ID: 1014674). Algorithms developed to predict the effect of missense changes on protein structure and function output the following: SIFT: "Not Available"; PolyPhen-2: "Benign"; Align-GVGD: "Not Available". The serine amino acid residue is found in multiple mammalian species, which suggests that this missense change does not adversely affect protein function. In summary, the available evidence is currently insufficient to determine the role of this variant in disease. Therefore, it has been classified as a Variant of Uncertain Significance.